The following is an entry in ClinVar:

NC_000014.8:g.(?_78018419)_(78018585_?)del

Gene: SPTLC2 (serine palmitoyltransferase long chain base subunit 2; minus strand). Cytogenetic location: 14q24.3.
Variant type: Deletion.
Identifiers: ClinVar variation 1433048 (VCV001433048.4).

ClinVar aggregate classification (germline): Uncertain significance (1 of 4 stars; one submission).

Conditions:
Neuropathy, hereditary sensory and autonomic, type 1C. Also called: HSAN IC; HSN IC. Identifiers: Orphanet 36386, MedGen C3150896, MONDO:0013337, OMIM 613640.

Submission:

Labcorp Genetics (formerly Invitae), Labcorp
Classification: Uncertain significance for Neuropathy, hereditary sensory and autonomic, type 1C. Last evaluated: 2021-07-21. Review status: criteria provided, single submitter. Criteria: Invitae Variant Classification Sherloc (09022015). Collection method: clinical testing. Allele origin: germline.
Comment: In summary, the available evidence is currently insufficient to determine the role of this variant in disease. Therefore, it has been classified as a Variant of Uncertain Significance. This variant has not been reported in the literature in individuals affected with SPTLC2-related conditions. This variant is a gross deletion of the genomic region encompassing exon(s) 9 of the SPTLC2 gene. This deletion is out-of-frame, and is expected to create a premature translational stop signal and result in an absent or disrupted protein product. However, the current clinical and genetic evidence is not sufficient to establish whether loss-of-function variants in SPTLC2 cause disease.